The following is an entry in ClinVar:

NM_004044.7(ATIC):c.1606A>T (p.Ile536Phe)

Gene: ATIC (5-aminoimidazole-4-carboxamide ribonucleotide formyltransferase/IMP cyclohydrolase; plus strand). Cytogenetic location: 2q35.
Variant type: single nucleotide variant.
Coding change: c.1606A>T on transcript NM_004044.7 (MANE Select); coding-DNA position 1606, A replaced by T.
Protein change: p.Ile536Phe; replaces isoleucine 536 with phenylalanine.
Molecular consequence: missense variant.
Genome position (GRCh38, 1-based): chr2:215,349,196, A>T. VCF-style: chr2-215349196-A-T. GRCh37 (hg19) VCF-style: chr2-216213919-A-T.
Other names: short protein forms I536F.
Identifiers: ClinVar variation 1896671 (VCV001896671.4), dbSNP rs766063365, ClinGen allele CA2093423.

ClinVar aggregate classification (germline): Uncertain significance (1 of 4 stars; one submission).

gnomAD v4.1: 4 of 1,614,220 alleles (0.00025%); highest among the groups gnomAD compares: Admixed American, 0.005%; no homozygotes.

Submission:

Labcorp Genetics (formerly Invitae), Labcorp
Classification: Uncertain significance. Last evaluated: 2024-10-07. Review status: criteria provided, single submitter. Criteria: Invitae Variant Classification Sherloc (09022015). Collection method: clinical testing. Allele origin: germline.
Comment: This sequence change replaces isoleucine, which is neutral and non-polar, with phenylalanine, which is neutral and non-polar, at codon 536 of the ATIC protein (p.Ile536Phe). This variant is present in population databases (rs766063365, gnomAD 0.009%). This variant has not been reported in the literature in individuals affected with ATIC-related conditions. ClinVar contains an entry for this variant (Variation ID: 1896671). Invitae Evidence Modeling of protein sequence and biophysical properties (such as structural, functional, and spatial information, amino acid conservation, physicochemical variation, residue mobility, and thermodynamic stability) indicates that this missense variant is not expected to disrupt ATIC protein function with a negative predictive value of 80%. In summary, the available evidence is currently insufficient to determine the role of this variant in disease. Therefore, it has been classified as a Variant of Uncertain Significance.